The following is an entry in ClinVar:

NM_003900.5(SQSTM1):c.1313C>G (p.Pro438Arg)

Gene: SQSTM1 (sequestosome 1; plus strand). Cytogenetic location: 5q35.3.
Variant type: single nucleotide variant.
Coding change: c.1313C>G on transcript NM_003900.5 (MANE Select); coding-DNA position 1313, C replaced by G.
Protein change: p.Pro438Arg; replaces proline 438 with arginine.
Molecular consequence: missense variant.
Genome position (GRCh38, 1-based): chr5:179,836,583, C>G. VCF-style: chr5-179836583-C-G. GRCh37 (hg19) VCF-style: chr5-179263583-C-G.
Other names: c.1061C>G, p.Pro354Arg (NM_001142298.2, NM_001142299.2); short protein forms P354R, P438R.
Identifiers: ClinVar variation 1999912 (VCV001999912.4), dbSNP rs759646319, ClinGen allele CA362454607.

ClinVar aggregate classification (germline): Uncertain significance (1 of 4 stars; one submission).

Conditions:
Paget disease of bone 2, early-onset (PDB2). Also called: Paget disease of bone 2. Identifiers: MedGen C4085251, MONDO:0011183, OMIM 602080.
Frontotemporal dementia and/or amyotrophic lateral sclerosis 1 (FTDALS1). Also called: Frontotemporal dementia with motor neuron disease 1; C9orf72 Frontotemporal Dementia and/or Amyotrophic Lateral Sclerosis. Identifiers: Orphanet 275872, MedGen C5779877, MONDO:0007105, OMIM 105550.

Submission:

Labcorp Genetics (formerly Invitae), Labcorp
Classification: Uncertain significance for Paget disease of bone 2, early-onset; Frontotemporal dementia and/or amyotrophic lateral sclerosis 1. Last evaluated: 2022-05-28. Review status: criteria provided, single submitter. Criteria: Invitae Variant Classification Sherloc (09022015). Collection method: clinical testing. Allele origin: germline.
Comment: This sequence change replaces proline, which is neutral and non-polar, with arginine, which is basic and polar, at codon 438 of the SQSTM1 protein (p.Pro438Arg). This variant is not present in population databases (gnomAD no frequency). This variant has not been reported in the literature in individuals affected with SQSTM1-related conditions. Algorithms developed to predict the effect of missense changes on protein structure and function (SIFT, PolyPhen-2, Align-GVGD) all suggest that this variant is likely to be tolerated. In summary, the available evidence is currently insufficient to determine the role of this variant in disease. Therefore, it has been classified as a Variant of Uncertain Significance.